The following is an entry in ClinVar:

ClinVar aggregate classification (germline): Likely pathogenic. Review status: criteria provided, multiple submitters, no conflicts (2 of 4 stars). 2 submissions from 2 submitters: Likely pathogenic (2). Last evaluated 2026-02-28.

Conditions:
SYNE1-related disorder. Also called: SYNE1-related disease; SYNE1-related condition; SYNE1-related disorders.

gnomAD v4.1: 2 of 1,613,402 alleles (0.00012%); highest among the groups gnomAD compares: Non-Finnish European, 0.00017%; no homozygotes.

Submissions (2):

GeneDx
Classification: Likely pathogenic. Last evaluated: 2026-02-28. Review status: criteria provided, single submitter. Criteria: GeneDx Variant Classification Process June 2021. Collection method: clinical testing. Allele origin: germline.
Comment: Nonsense variant predicted to result in protein truncation or nonsense mediated decay in a gene for which loss of function is a known mechanism of disease; Not observed at significant frequency in large population cohorts (gnomAD); This variant is associated with the following publications: (PMID: 33084218, 32488064)

Blueprint Genetics
Classification: Likely pathogenic for SYNE1-related disorders. Last evaluated: 2019-07-04. Review status: criteria provided, single submitter. Criteria: ACMG Guidelines, 2015. Collection method: clinical testing. Allele origin: germline. Affected: yes. Observed: 1 variant allele.

NM_182961.4(SYNE1):c.1959G>A (p.Trp653Ter)

Gene: SYNE1 (spectrin repeat containing nuclear envelope protein 1; minus strand). Cytogenetic location: 6q25.2.
Variant type: single nucleotide variant.
Coding change: c.1959G>A on transcript NM_182961.4 (MANE Select); coding-DNA position 1959, G replaced by A.
Protein change: p.Trp653Ter; replaces tryptophan 653 with a stop codon.
Molecular consequence: nonsense.
Genome position (GRCh38, 1-based): chr6:152,463,491, C>T on the plus strand (G>A on the coding strand, the complement: SYNE1 is on the minus strand). VCF-style: chr6-152463491-C-T. GRCh37 (hg19) VCF-style: chr6-152784626-C-T.
Other names: c.1980G>A, p.Trp660Ter (NM_033071.5); short protein forms W653*, W660*.
Identifiers: ClinVar variation 4888082 (VCV004888082.2).